The following is an entry in ClinVar:

NM_145285.3(NKX2-3):c.468G>A (p.Ser156=)

Gene: NKX2-3 (NK2 homeobox 3; plus strand). Cytogenetic location: 10q24.2.
Variant type: single nucleotide variant.
Coding change: c.468G>A on transcript NM_145285.3 (MANE Select); coding-DNA position 468, G replaced by A.
Protein change: p.Ser156=; no amino-acid change (serine 156 retained).
Molecular consequence: synonymous variant.
Genome position (GRCh38, 1-based): chr10:99,535,094, G>A. VCF-style: chr10-99535094-G-A. GRCh37 (hg19) VCF-style: chr10-101294851-G-A.
Identifiers: ClinVar variation 2640746 (VCV002640746.24), dbSNP rs184601313, ClinGen allele CA5641184.
Genomic context (GRCh38, chr10:99,535,094, plus strand): 5'-GGCGGAGGAGAGCGAGAGGCCGAAGCCACGCAGCCGCCGGAAGCCCCGGGTCCTCTTCTC[G>A]CAAGCCCAGGTCTTCGAGCTGGAACGCAGGTTCAAGCAGCAGCGGTACCTGTCGGCACCC-3'
Protein context (NP_660328.2, residues 146-166): RSRRKPRVLF[Ser156=]QAQVFELERR

ClinVar aggregate classification (germline): Likely benign (1 of 4 stars; one submission).

Allele frequency attached by ClinVar (database versions not stated): 1000 Genomes Project 0.00180; 1000 Genomes Project 30x 0.00234; ESP Exome Variant Server 0.00424.

Submission:

CeGaT Center for Human Genetics Tuebingen
Classification: Likely benign. Last evaluated: 2022-07-01. Review status: criteria provided, single submitter. Criteria: CeGaT Center For Human Genetics Tuebingen Variant Classification Criteria Version 2. Collection method: clinical testing. Allele origin: germline. Affected: yes. Observed: 1 variant allele.
Comment: NKX2-3: BP4, BP7